The following is an entry in ClinVar:

NM_001008212.2(OPTN):c.403G>A (p.Glu135Lys)

Gene: OPTN (optineurin; plus strand). Cytogenetic location: 10p13.
Variant type: single nucleotide variant.
Coding change: c.403G>A on transcript NM_001008212.2 (MANE Select); coding-DNA position 403, G replaced by A.
Protein change: p.Glu135Lys; replaces glutamic acid 135 with lysine.
Molecular consequence: missense variant.
Genome position (GRCh38, 1-based): chr10:13,112,486, G>A. VCF-style: chr10-13112486-G-A. GRCh37 (hg19) VCF-style: chr10-13154486-G-A.
Other names: c.403G>A, p.Glu135Lys (NM_001008211.1, NM_001008213.1, NM_021980.4); short protein forms E135K.
Identifiers: ClinVar variation 651429 (VCV000651429.13), dbSNP rs140599944, ClinGen allele CA5410615.

ClinVar aggregate classification (germline): Uncertain significance. Review status: criteria provided, multiple submitters, no conflicts (2 of 4 stars). 2 submissions from 2 submitters: Uncertain significance (2). Last evaluated 2025-11-05.

Conditions:
Amyotrophic lateral sclerosis type 12 (ALS12). Also called: AMYOTROPHIC LATERAL SCLEROSIS 12 WITH OR WITHOUT FRONTOTEMPORAL DEMENTIA. Identifiers: Orphanet 803, MedGen C3150692, MONDO:0013264, OMIM 613435.
Glaucoma 1, open angle, E. Identifiers: MedGen C1842026, MONDO:0007665.
Primary open angle glaucoma (POAG). Also called: OPTN-related open angle glaucoma. Identifiers: MedGen C0339573, MONDO:0100553, OMIM 137760.
Inborn genetic diseases. Identifiers: MedGen C0950123, MeSH D030342.

Allele frequency attached by ClinVar (database versions not stated): TOPMed 0.00009; gnomAD 0.00013 and 0.00014; ESP Exome Variant Server 0.00031.
gnomAD v4.1: 147 of 1,613,888 alleles (0.0091%); highest among the groups gnomAD compares: South Asian, 0.02%; no homozygotes.

Submissions (2):

Labcorp Genetics (formerly Invitae), Labcorp
Classification: Uncertain significance for Primary open angle glaucoma; Glaucoma 1, open angle, E; Amyotrophic lateral sclerosis type 12. Last evaluated: 2025-11-05. Review status: criteria provided, single submitter. Criteria: Invitae Variant Classification Sherloc (09022015). Collection method: clinical testing. Allele origin: germline.
Comment: This sequence change replaces glutamic acid, which is acidic and polar, with lysine, which is basic and polar, at codon 135 of the OPTN protein (p.Glu135Lys). This variant is present in population databases (rs140599944, gnomAD 0.02%). This missense change has been observed in individual(s) with clinical features of amyotrophic lateral sclerosis (PMID: 37952009). ClinVar contains an entry for this variant (Variation ID: 651429). Invitae Evidence Modeling of protein sequence and biophysical properties (such as structural, functional, and spatial information, amino acid conservation, physicochemical variation, residue mobility, and thermodynamic stability) indicates that this missense variant is not expected to disrupt OPTN protein function with a negative predictive value of 80%. In summary, the available evidence is currently insufficient to determine the role of this variant in disease. Therefore, it has been classified as a Variant of Uncertain Significance.

Ambry Genetics
Classification: Uncertain significance for Inborn genetic diseases. Last evaluated: 2020-06-18. Review status: criteria provided, single submitter. Criteria: Ambry Variant Classification Scheme 2023. Collection method: clinical testing. Allele origin: germline.
Comment: The p.E135K variant (also known as c.403G>A), located in coding exon 3 of the OPTN gene, results from a G to A substitution at nucleotide position 403. The glutamic acid at codon 135 is replaced by lysine, an amino acid with similar properties. This amino acid position is not well conserved in available vertebrate species. In addition, this alteration is predicted to be tolerated by in silico analysis. Since supporting evidence is limited at this time, the clinical significance of this alteration remains unclear.

Literature cited by the submitters: PubMed 37952009 (cited by Labcorp Genetics (formerly Invitae), Labcorp).